The following is an entry in ClinVar:

ClinVar aggregate classification (germline): Uncertain significance (1 of 4 stars; one submission).

Allele frequency attached by ClinVar (database versions not stated): TOPMed 0.00001.

Submission:

Labcorp Genetics (formerly Invitae), Labcorp
Classification: Uncertain significance. Last evaluated: 2022-04-29. Review status: criteria provided, single submitter. Criteria: Invitae Variant Classification Sherloc (09022015). Collection method: clinical testing. Allele origin: germline.
Comment: This sequence change replaces leucine, which is neutral and non-polar, with proline, which is neutral and non-polar, at codon 487 of the RNF168 protein (p.Leu487Pro). Algorithms developed to predict the effect of missense changes on protein structure and function output the following: SIFT: "Tolerated"; PolyPhen-2: "Benign"; Align-GVGD: "Class C0". The proline amino acid residue is found in multiple mammalian species, which suggests that this missense change does not adversely affect protein function. This variant has not been reported in the literature in individuals affected with RNF168-related conditions. In summary, the available evidence is currently insufficient to determine the role of this variant in disease. Therefore, it has been classified as a Variant of Uncertain Significance. This variant is present in population databases (no rsID available, gnomAD 0.009%).

NM_152617.4(RNF168):c.1460T>C (p.Leu487Pro)

Gene: RNF168 (ring finger protein 168; minus strand). Cytogenetic location: 3q29.
Variant type: single nucleotide variant.
Coding change: c.1460T>C on transcript NM_152617.4 (MANE Select); coding-DNA position 1460, T replaced by C.
Protein change: p.Leu487Pro; replaces leucine 487 with proline.
Molecular consequence: missense variant.
Genome position (GRCh38, 1-based): chr3:196,472,075, A>G on the plus strand (T>C on the coding strand, the complement: RNF168 is on the minus strand). VCF-style: chr3-196472075-A-G. GRCh37 (hg19) VCF-style: chr3-196198946-A-G.
Other names: short protein forms L487P.
Identifiers: ClinVar variation 2131648 (VCV002131648.4), dbSNP rs1363586525, ClinGen allele CA355615584.